The following is an entry in ClinVar:

NM_000784.4(CYP27A1):c.481C>G (p.Leu161Val)

Gene: CYP27A1 (cytochrome P450 family 27 subfamily A member 1; plus strand). Cytogenetic location: 2q35.
Variant type: single nucleotide variant.
Coding change: c.481C>G on transcript NM_000784.4 (MANE Select); coding-DNA position 481, C replaced by G.
Protein change: p.Leu161Val; replaces leucine 161 with valine.
Molecular consequence: missense variant.
Genome position (GRCh38, 1-based): chr2:218,812,256, C>G. VCF-style: chr2-218812256-C-G. GRCh37 (hg19) VCF-style: chr2-219676979-C-G.
Other names: short protein forms L161V.
Identifiers: ClinVar variation 1506351 (VCV001506351.10), dbSNP rs759338714, ClinGen allele CA2112622.
Genomic context (GRCh38, chr2:218,812,256, plus strand): 5'-TGTGCTGTTCCTCTGCGTCCCTGCAGGGAAGGACACCACTGGTACCAGCTGCGCCAGGCT[C>G]TGAACCAGCGGTTGCTGAAGCCAGCGGAAGCAGCGCTCTATACGGATGCTTTCAATGAGG-3'
Protein context (NP_000775.1, residues 151-171): GHHWYQLRQA[Leu161Val]NQRLLKPAEA

ClinVar aggregate classification (germline): Uncertain significance. Review status: criteria provided, multiple submitters, no conflicts (2 of 4 stars). 2 submissions from 2 submitters: Uncertain significance (2). Last evaluated 2025-05-18.

Conditions:
Cardiovascular phenotype. Identifiers: MedGen CN230736.
Cholestanol storage disease (CTX). Also called: Cerebrotendinous Xanthomatosis; CTX: Cerebrotendinous xanthomatosis; CEREBRAL CHOLESTERINOSIS. Identifiers: Orphanet 909, MedGen C0238052, MONDO:0008948, OMIM 213700.

Allele frequency attached by ClinVar (database versions not stated): gnomAD exomes below 0.00001; ExAC 0.00001.
gnomAD v4.1: 1 of 1,614,192 alleles (0.000062%); highest among the groups gnomAD compares: Non-Finnish European, 0.000085%; no homozygotes.

Submissions (2):

Ambry Genetics
Classification: Uncertain significance for Cardiovascular phenotype. Last evaluated: 2025-05-18. Review status: criteria provided, single submitter. Criteria: Ambry Variant Classification Scheme 2023. Collection method: clinical testing. Allele origin: germline.
Comment: The p.L161V variant (also known as c.481C>G), located in coding exon 3 of the CYP27A1 gene, results from a C to G substitution at nucleotide position 481. The leucine at codon 161 is replaced by valine, an amino acid with highly similar properties. This amino acid position is conserved. In addition, the in silico prediction for this alteration is inconclusive. Since supporting evidence is limited at this time, the clinical significance of this alteration remains unclear.

Labcorp Genetics (formerly Invitae), Labcorp
Classification: Uncertain significance for Cholestanol storage disease. Last evaluated: 2020-12-05. Review status: criteria provided, single submitter. Criteria: Invitae Variant Classification Sherloc (09022015). Collection method: clinical testing. Allele origin: germline.
Comment: This sequence change replaces leucine with valine at codon 161 of the CYP27A1 protein (p.Leu161Val). The leucine residue is highly conserved and there is a small physicochemical difference between leucine and valine. This variant is present in population databases (rs759338714, ExAC 0.001%). This variant has not been reported in the literature in individuals with CYP27A1-related conditions. Advanced modeling of protein sequence and biophysical properties (such as structural, functional, and spatial information, amino acid conservation, physicochemical variation, residue mobility, and thermodynamic stability) performed at Invitae indicates that this missense variant is expected to disrupt CYP27A1 protein function. In summary, the available evidence is currently insufficient to determine the role of this variant in disease. Therefore, it has been classified as a Variant of Uncertain Significance.